The following is an entry in ClinVar:

NM_006662.3(SRCAP):c.7217C>T (p.Thr2406Ile)

Gene: SRCAP (Snf2 related CREBBP activator protein; plus strand). Cytogenetic location: 16p11.2.
Variant type: single nucleotide variant.
Coding change: c.7217C>T on transcript NM_006662.3 (MANE Select); coding-DNA position 7217, C replaced by T.
Protein change: p.Thr2406Ile; replaces threonine 2406 with isoleucine.
Molecular consequence: missense variant.
Genome position (GRCh38, 1-based): chr16:30,737,257, C>T. VCF-style: chr16-30737257-C-T. GRCh37 (hg19) VCF-style: chr16-30748578-C-T.
Other names: short protein forms T2406I.
Identifiers: ClinVar variation 3343650 (VCV003343650.1).

ClinVar aggregate classification (germline): Uncertain significance (1 of 4 stars; one submission).

Submission:

GeneDx
Classification: Uncertain significance. Last evaluated: 2023-05-17. Review status: criteria provided, single submitter. Criteria: GeneDx Variant Classification Process June 2021. Collection method: clinical testing. Allele origin: germline. Affected: yes.
Comment: Not observed at significant frequency in large population cohorts (gnomAD); In silico analysis supports that this missense variant does not alter protein structure/function; Has not been previously published as pathogenic or benign to our knowledge